The following is an entry in ClinVar:

NM_012338.4(TSPAN12):c.244T>A (p.Tyr82Asn)

Gene: TSPAN12 (tetraspanin 12; minus strand). Cytogenetic location: 7q31.31.
Variant type: single nucleotide variant.
Coding change: c.244T>A on transcript NM_012338.4 (MANE Select); coding-DNA position 244, T replaced by A.
Protein change: p.Tyr82Asn; replaces tyrosine 82 with asparagine.
Molecular consequence: missense variant.
Genome position (GRCh38, 1-based): chr7:120,838,818, A>T on the plus strand (T>A on the coding strand, the complement: TSPAN12 is on the minus strand). VCF-style: chr7-120838818-A-T. GRCh37 (hg19) VCF-style: chr7-120478872-A-T.
Other names: c.244T>A (NM_012338.3); short protein forms Y82N.
Identifiers: ClinVar variation 1041069 (VCV001041069.10), dbSNP rs140434334, ClinGen allele CA4453967.

ClinVar aggregate classification (germline): Uncertain significance. Review status: criteria provided, multiple submitters, no conflicts (2 of 4 stars). 3 submissions from 3 submitters: Uncertain significance (3). Last evaluated 2025-10-15.

Conditions:
Inborn genetic diseases. Identifiers: MedGen C0950123, MeSH D030342.

Allele frequency attached by ClinVar (database versions not stated): TOPMed 0.00002; ExAC 0.00004; gnomAD 0.00004; gnomAD exomes 0.00005; ESP Exome Variant Server 0.00008.
gnomAD v4.1: 77 of 1,613,926 alleles (0.0048%); highest among the groups gnomAD compares: Non-Finnish European, 0.0047%; no homozygotes.

Submissions (3):

Labcorp Genetics (formerly Invitae), Labcorp
Classification: Uncertain significance. Last evaluated: 2025-10-15. Review status: criteria provided, single submitter. Criteria: Invitae Variant Classification Sherloc (09022015). Collection method: clinical testing. Allele origin: germline.
Comment: This sequence change replaces tyrosine, which is neutral and polar, with asparagine, which is neutral and polar, at codon 82 of the TSPAN12 protein (p.Tyr82Asn). This variant is present in population databases (rs140434334, gnomAD 0.008%). This variant has not been reported in the literature in individuals affected with TSPAN12-related conditions. ClinVar contains an entry for this variant (Variation ID: 1041069). Invitae Evidence Modeling of protein sequence and biophysical properties (such as structural, functional, and spatial information, amino acid conservation, physicochemical variation, residue mobility, and thermodynamic stability) indicates that this missense variant is not expected to disrupt TSPAN12 protein function with a negative predictive value of 80%. In summary, the available evidence is currently insufficient to determine the role of this variant in disease. Therefore, it has been classified as a Variant of Uncertain Significance.

Blueprint Genetics
Classification: Uncertain significance. Last evaluated: 2024-11-25. Review status: criteria provided, single submitter. Criteria: ACMG Guidelines, 2015. Collection method: clinical testing. Allele origin: germline.

Ambry Genetics
Classification: Uncertain significance for Inborn genetic diseases. Last evaluated: 2024-10-29. Review status: criteria provided, single submitter. Criteria: Ambry Variant Classification Scheme 2023. Collection method: clinical testing. Allele origin: germline.